The following is an entry in ClinVar:

NM_003489.4(NRIP1):c.3426A>G (p.Glu1142=)

Gene: NRIP1 (nuclear receptor interacting protein 1; minus strand). Cytogenetic location: 21q11.2.
Variant type: single nucleotide variant.
Coding change: c.3426A>G on transcript NM_003489.4 (MANE Select); coding-DNA position 3426, A replaced by G.
Protein change: p.Glu1142=; no amino-acid change (glutamic acid 1142 retained).
Molecular consequence: synonymous variant.
Genome position (GRCh38, 1-based): chr21:14,964,767, T>C on the plus strand (A>G on the coding strand, the complement: NRIP1 is on the minus strand). VCF-style: chr21-14964767-T-C. GRCh37 (hg19) VCF-style: chr21-16337088-T-C.
Other names: c.3426A>G (NM_003489.3).
Identifiers: ClinVar variation 2713763 (VCV002713763.5), dbSNP rs201308622, ClinGen allele CA9980956.
Genomic context (GRCh38, chr21:14,964,767, plus strand): 5'-AGGTACATTTTATTCTGATTCTTTCTTTATCGTTAGCACGCTTCCCAGAAGTCCATAAAC[T>C]TCTCCATTTGCGCTGTGTGGGCGAGAAGCATTATTTCCCATATGGCTATTGTAAGGGCTT-3'
Protein context (NP_003480.2, residues 1132-1152): NASRPHSANG[Glu1142=]VYGLLGSVLT

ClinVar aggregate classification (germline): Benign. Review status: criteria provided, single submitter (1 of 4 stars). 2 submissions from 2 submitters: Benign (1). 1 of the submissions does not count toward it. Last evaluated 2025-10-26.

Conditions:
NRIP1-related disorder. Also called: NRIP1-related condition.

Allele frequency attached by ClinVar (database versions not stated): gnomAD 0.00034; gnomAD exomes 0.00058; ExAC 0.00132; 1000 Genomes Project 30x 0.00328; 1000 Genomes Project 0.00339.
gnomAD v4.1: 890 of 1,584,494 alleles (0.056%); highest among the groups gnomAD compares: South Asian, 0.96%; 13 homozygotes.

Submissions (2):

Labcorp Genetics (formerly Invitae), Labcorp
Classification: Benign. Last evaluated: 2025-10-26. Review status: criteria provided, single submitter. Criteria: Invitae Variant Classification Sherloc (09022015). Collection method: clinical testing. Allele origin: germline.

PreventionGenetics, part of Exact Sciences
Classification: Benign for NRIP1-related condition. Last evaluated: 2019-06-28. Review status: no assertion criteria provided. Collection method: clinical testing. Allele origin: germline. Not counted in ClinVar's aggregate classification.
Comment: This variant is classified as benign based on ACMG/AMP sequence variant interpretation guidelines (Richards et al. 2015 PMID: 25741868, with internal and published modifications).